The following is an entry in ClinVar:

ClinVar aggregate classification (germline): Likely benign (1 of 4 stars; one submission).

Allele frequency attached by ClinVar (database versions not stated): 1000 Genomes Project 30x 0.00016; 1000 Genomes Project 0.00020; TOPMed 0.00001; gnomAD 0.00002; gnomAD exomes 0.00003; ExAC 0.00009.
gnomAD v4.1: 49 of 1,614,154 alleles (0.003%); highest among the groups gnomAD compares: South Asian, 0.02%; 1 homozygote.

Submission:

CeGaT Center for Human Genetics Tuebingen
Classification: Likely benign. Last evaluated: 2025-04-01. Review status: criteria provided, single submitter. Criteria: CeGaT Center For Human Genetics Tuebingen Variant Classification Criteria Version 2. Collection method: clinical testing. Allele origin: germline. Affected: yes. Observed: 2 variant alleles.
Comment: KMT5B: BP4, BP7

NM_017635.5(KMT5B):c.1707G>A (p.Thr569=)

Gene: KMT5B (lysine methyltransferase 5B; minus strand). Cytogenetic location: 11q13.2.
Variant type: single nucleotide variant.
Coding change: c.1707G>A on transcript NM_017635.5 (MANE Select); coding-DNA position 1707, G replaced by A.
Protein change: p.Thr569=; no amino-acid change (threonine 569 retained).
Molecular consequence: synonymous variant.
Genome position (GRCh38, 1-based): chr11:68,158,639, C>T on the plus strand (G>A on the coding strand, the complement: KMT5B is on the minus strand). VCF-style: chr11-68158639-C-T. GRCh37 (hg19) VCF-style: chr11-67926106-C-T.
Other names: c.1191G>A, p.Thr397= (NM_001300907.1, NM_001369428.1, NM_001369429.1 and 4 more transcripts); c.987G>A, p.Thr329= (NM_001300908.2); c.1707G>A, p.Thr569= (NM_001369426.1).
Identifiers: ClinVar variation 3025102 (VCV003025102.22), dbSNP rs562653357, ClinGen allele CA6148135.